The following is an entry in ClinVar:

NM_002693.3(POLG):c.2897T>G (p.Leu966Arg)

Gene: POLG (DNA polymerase gamma, catalytic subunit; minus strand). Cytogenetic location: 15q26.1.
Variant type: single nucleotide variant.
Coding change: c.2897T>G on transcript NM_002693.3 (MANE Select); coding-DNA position 2897, T replaced by G.
Protein change: p.Leu966Arg; replaces leucine 966 with arginine.
Molecular consequence: missense variant.
Genome position (GRCh38, 1-based): chr15:89,320,850, A>C on the plus strand (T>G on the coding strand, the complement: POLG is on the minus strand). VCF-style: chr15-89320850-A-C. GRCh37 (hg19) VCF-style: chr15-89864081-A-C.
Other names: c.2897T>G, p.Leu966Arg (NM_001126131.2); short protein forms L966R.
Identifiers: ClinVar variation 372473 (VCV000372473.27), dbSNP rs142347031, ClinGen allele CA7724330.

ClinVar aggregate classification (germline): Pathogenic/Likely pathogenic. Review status: criteria provided, multiple submitters, no conflicts (2 of 4 stars). 9 submissions from 9 submitters: Pathogenic (6); Likely pathogenic (3). Last evaluated 2026-07-28.

Conditions:
POLG-related disorder. Also called: POLG-Related Spectrum Disorders; POLG-related condition; POLG-Related Disorders. Identifiers: MedGen C4763519.
Progressive external ophthalmoplegia with mitochondrial DNA deletions, autosomal dominant 1 (PEOA1). Also called: PROGRESSIVE EXTERNAL OPHTHALMOPLEGIA, AUTOSOMAL DOMINANT 1; Autosomal Dominant Progressive External Ophthalmoplegia (adPEO). Identifiers: MedGen C1834846, MONDO:0024528, OMIM 157640.
Progressive external ophthalmoplegia with mitochondrial DNA deletions, autosomal recessive 1 (PEOB1). Also called: Progressive external ophthalmoplegia, autosomal recessive 1; Autosomal Recessive Progressive External Ophthalmoplegia (arPEO). Identifiers: Orphanet 254886, MedGen C4225153, MONDO:0009783, OMIM 258450.
Mitochondrial DNA depletion syndrome 4b. Also called: MNGIE, POLG-RELATED; Mitochondrial Neurogastrointestinal Encephalopathy Disease, POLG-Related. Identifiers: Orphanet 298, MedGen C3150914, MONDO:0013350, OMIM 613662.
Progressive sclerosing poliodystrophy (MTDPS4A). Also called: ALPERS DIFFUSE DEGENERATION OF CEREBRAL GRAY MATTER WITH HEPATIC CIRRHOSIS; Alpers-Huttenlocher Syndrome; Mitochondrial DNA depletion syndrome 4A (Alpers type); Alpers Syndrome; ALPERS PROGRESSIVE INFANTILE POLIODYSTROPHY; Mitochondrial DNA Depletion Syndrome 4A. Identifiers: Orphanet 726, MedGen C0205710, MONDO:0008758, OMIM 203700.
Sensory ataxic neuropathy, dysarthria, and ophthalmoparesis (SANDO). Also called: Sensory ataxic neuropathy-dysarthria-ophthalmoparesis syndrome; Epilepsy, progressive myoclonic, type 5; SENSORY ATAXIC NEUROPATHY WITH MITOCHONDRIAL DNA DELETIONS, AUTOSOMAL RECESSIVE; Ataxia Neuropathy Spectrum (ANS). Identifiers: Orphanet 70595, MedGen C1843851, MONDO:0011835, OMIM 607459.

Allele frequency attached by ClinVar (database versions not stated): gnomAD exomes 0.00001; ExAC 0.00002; gnomAD 0.00002; TOPMed 0.00002; ESP Exome Variant Server 0.00015; 1000 Genomes Project 30x 0.00031; 1000 Genomes Project 0.00040.
gnomAD v4.1: 68 of 1,614,034 alleles (0.0042%); highest among the groups gnomAD compares: Non-Finnish European, 0.0057%; no homozygotes.

Submissions (9):

GeneDx
Classification: Pathogenic. Last evaluated: 2026-07-28. Review status: criteria provided, single submitter. Criteria: GeneDx Variant Classification Process June 2021. Collection method: clinical testing. Allele origin: germline.
Comment: Not observed at significant frequency in large population cohorts (gnomAD); In silico analysis supports that this missense variant has a deleterious effect on protein structure/function; This variant is associated with the following publications: (PMID: 17426723, 21824913, 23448099, 16545482, 22000311, 21704543, 18487244, 30167885, 34690748, 32033288, 24986207, 25525159)

Labcorp Genetics (formerly Invitae), Labcorp
Classification: Pathogenic for Progressive sclerosing poliodystrophy. Last evaluated: 2026-01-16. Review status: criteria provided, single submitter. Criteria: Invitae Variant Classification Sherloc (09022015). Collection method: clinical testing. Allele origin: germline.
Comment: This sequence change replaces leucine, which is neutral and non-polar, with arginine, which is basic and polar, at codon 966 of the POLG protein (p.Leu966Arg). This variant is present in population databases (rs142347031, gnomAD 0.002%). This missense change has been observed in individual(s) with Alpers syndrome (PMID: 16545482, 17426723, 21704543, 22000311, 23448099; internal data). In at least one individual the data is consistent with being in trans (on the opposite chromosome) from a pathogenic variant. This variant is also known as c.3179T>G. ClinVar contains an entry for this variant (Variation ID: 372473). Invitae Evidence Modeling of protein sequence and biophysical properties (such as structural, functional, and spatial information, amino acid conservation, physicochemical variation, residue mobility, and thermodynamic stability) indicates that this missense variant is expected to disrupt POLG protein function with a positive predictive value of 95%. For these reasons, this variant has been classified as Pathogenic.

Women's Health and Genetics/Laboratory Corporation of America, LabCorp
Classification: Likely pathogenic for POLG-related disorder. Last evaluated: 2024-10-07. Review status: criteria provided, single submitter. Criteria: LabCorp Variant Classification Summary - May 2015. Collection method: clinical testing. Allele origin: germline.
Comment: Variant summary: POLG c.2897T>G (p.Leu966Arg) results in a non-conservative amino acid change located in the DNA-directed DNA polymerase, family A, palm domain (IPR001098) of the encoded protein sequence. Five of five in-silico tools predict a damaging effect of the variant on protein function. The variant allele was found at a frequency of 1.2e-05 in 251202 control chromosomes. c.2897T>G has been reported in the literature in individuals affected with POLG-Related Spectrum Disorders (Ashley_2008, Hunter_2011, McCoy_2011, Nguyen_JH, Obrien_2014, Uusimaa_2013). These data indicate that the variant is likely to be associated with disease. To our knowledge, no experimental evidence demonstrating an impact on protein function has been reported. The following publications have been ascertained in the context of this evaluation (PMID: 18487244, 22000311, 21704543, 16545482, 24986207, 23448099). ClinVar contains an entry for this variant (Variation ID: 372473). Based on the evidence outlined above, the variant was classified as likely pathogenic.

Fulgent Genetics
Classification: Pathogenic for Progressive external ophthalmoplegia with mitochondrial DNA deletions, autosomal dominant 1; Progressive sclerosing poliodystrophy; Progressive external ophthalmoplegia with mitochondrial DNA deletions, autosomal recessive 1; Sensory ataxic neuropathy, dysarthria, and ophthalmoparesis; Mitochondrial DNA depletion syndrome 4b. Last evaluated: 2024-02-09. Review status: criteria provided, single submitter. Criteria: ACMG Guidelines, 2015. Collection method: clinical testing. Allele origin: germline.

Baylor Genetics
Classification: Pathogenic for Progressive sclerosing poliodystrophy. Last evaluated: 2023-11-17. Review status: criteria provided, single submitter. Criteria: ACMG Guidelines, 2015. Collection method: clinical testing. Allele origin: unknown.

Revvity Omics, Revvity
Classification: Likely pathogenic. Last evaluated: 2023-05-02. Review status: criteria provided, single submitter. Criteria: ACMG Guidelines, 2015. Collection method: clinical testing. Allele origin: germline.

Molecular Genetics, Royal Melbourne Hospital
Classification: Pathogenic for Progressive sclerosing poliodystrophy. Last evaluated: 2023-03-30. Review status: criteria provided, single submitter. Criteria: ACMG Guidelines, 2015. Collection method: clinical testing. Allele origin: germline. Affected: no.
Comment: This sequence change in POLG is predicted to replace leucine with arginine at codon 966, p.(Leu966Arg). The leucine residue is highly conserved (100 vertebrates, UCSC), and is located in POLAc domain. There is a large physicochemical difference between leucine and arginine. The highest population minor allele frequency in gnomAD v2.1 is 0.003% (3/113,674 alleles) in European (non-Finnish) population, which is consistent with a recessive condition. This variant has been detected in at least six individuals with the POLG-related disorder Alpers-Huttenlocher syndrome. All these individuals were compound heterozygous for the variant and a pathogenic variant, and three of those were confirmed in trans (PMID: 16545482, 17426723, 18487244, 21704543, 22000311, 23448099, 30167885). Multiple lines of computational evidence predict a deleterious effect for the missense substitution (6/6 algorithms). Based on the classification scheme RMH Modified ACMG Guidelines v1.5.1, this variant is classified as PATHOGENIC. Following criteria are met: PM3_VeryStrong, PM2_Supporting, PP3.

Blueprint Genetics
Classification: Pathogenic for POLG-related disorders. Last evaluated: 2022-04-08. Review status: criteria provided, single submitter. Criteria: ACMG Guidelines, 2015. Collection method: clinical testing. Allele origin: germline. Affected: yes. Observed: 1 variant allele.

Athena Diagnostics
Classification: Likely pathogenic. Last evaluated: 2020-10-23. Review status: criteria provided, single submitter. Criteria: Athena Diagnostics criteria. Collection method: clinical testing. Allele origin: unknown.
Comment: The frequency of this variant in the general population is consistent with pathogenicity. This variant is statistically more frequent in affected individuals than in the general population and/or healthy controls. Computational tools predict that this variant is damaging.

Literature cited by the submitters: PubMed 16545482 (cited by 4 submitters); PubMed 17426723 (cited by 3 submitters); PubMed 21704543 (cited by 4 submitters); PubMed 22000311 (cited by 4 submitters); PubMed 23448099 (cited by 4 submitters); PubMed 18487244 (cited by 3 submitters); PubMed 24986207 (cited by Women's Health and Genetics/Laboratory Corporation of America, LabCorp); PubMed 30167885 (cited by Molecular Genetics, Royal Melbourne Hospital and Athena Diagnostics).